The following is an entry in ClinVar:

NM_001291303.3(FAT4):c.11822T>C (p.Val3941Ala)

Gene: FAT4 (FAT atypical cadherin 4; plus strand). Cytogenetic location: 4q28.1.
Variant type: single nucleotide variant.
Coding change: c.11822T>C on transcript NM_001291303.3 (MANE Select); coding-DNA position 11822, T replaced by C.
Protein change: p.Val3941Ala; replaces valine 3941 with alanine.
Molecular consequence: missense variant.
Genome position (GRCh38, 1-based): chr4:125,463,584, T>C. VCF-style: chr4-125463584-T-C. GRCh37 (hg19) VCF-style: chr4-126384739-T-C.
Other names: c.11822T>C, p.Val3941Ala (NM_001291285.3); c.11816T>C, p.Val3939Ala (NM_024582.6); short protein forms V3939A, V3941A.
Identifiers: ClinVar variation 1699720 (VCV001699720.8), dbSNP rs578140620, ClinGen allele CA3073936.
Genomic context (GRCh38, chr4:125,463,584, plus strand): 5'-GTATGAGATTTAAAAAAAACTGAATTTGATATATTTTAGGGAAAATGTGTGAATCTTCAG[T>C]CAATTACTGTGAATGCAACCCCTGCTTTAATGGTGGTTCCTGCCAAAGTGGTGTGGATTC-3'
Protein context (NP_001278232.1, residues 3931-3951): GYTGKMCESS[Val3941Ala]NYCECNPCFN

ClinVar aggregate classification (germline): Conflicting classifications of pathogenicity. Review status: criteria provided, conflicting classifications (1 of 4 stars). 2 submissions from 2 submitters: Uncertain significance (1); Likely benign (1). Last evaluated 2025-12-22.

Allele frequency attached by ClinVar (database versions not stated): TOPMed below 0.00001; gnomAD 0.00002; gnomAD exomes 0.00014; 1000 Genomes Project 30x 0.00016; 1000 Genomes Project 0.00020; ExAC 0.00022.
gnomAD v4.1: 79 of 1,589,616 alleles (0.005%); highest among the groups gnomAD compares: South Asian, 0.09%; no homozygotes.

Submissions (2):

Labcorp Genetics (formerly Invitae), Labcorp
Classification: Likely benign. Last evaluated: 2025-12-22. Review status: criteria provided, single submitter. Criteria: Invitae Variant Classification Sherloc (09022015). Collection method: clinical testing. Allele origin: germline.

GeneDx
Classification: Uncertain significance. Last evaluated: 2022-01-13. Review status: criteria provided, single submitter. Criteria: GeneDx Variant Classification Process June 2021. Collection method: clinical testing. Allele origin: germline. Affected: yes.
Comment: In silico analysis supports that this missense variant does not alter protein structure/function; Has not been previously published as pathogenic or benign to our knowledge